The following is an entry in ClinVar:

NM_000059.4(BRCA2):c.5290T>C (p.Ser1764Pro)

Gene: BRCA2 (BRCA2 DNA repair associated; plus strand). Cytogenetic location: 13q13.1.
Variant type: single nucleotide variant.
Coding change: c.5290T>C on transcript NM_000059.4 (MANE Select); coding-DNA position 5290, T replaced by C.
Protein change: p.Ser1764Pro; replaces serine 1764 with proline.
Molecular consequence: missense variant. On other transcripts: non-coding transcript variant (1), intron variant (2).
Genome position (GRCh38, 1-based): chr13:32,339,645, T>C. VCF-style: chr13-32339645-T-C. GRCh37 (hg19) VCF-style: chr13-32913782-T-C.
Other names: c.5290T>C, p.Ser1764Pro (NM_001406719.1, NM_001406720.1); c.1910-4913T>C (NM_001406721.1); c.425-4913T>C (NM_001406722.1); short protein forms S1764P.
Identifiers: ClinVar variation 2586294 (VCV002586294.2), dbSNP rs2137516006, ClinGen allele CA387784783.

ClinVar aggregate classification (germline): Uncertain significance (1 of 4 stars; one submission).

Conditions:
Hereditary cancer-predisposing syndrome. Also called: Hereditary neoplastic syndrome; Tumor predisposition; Hereditary Cancer Syndrome; Neoplastic Syndromes, Hereditary. Identifiers: Orphanet 140162, MedGen C0027672, MeSH D009386, MONDO:0015356.

Submission:

Ambry Genetics
Classification: Uncertain significance for Hereditary cancer-predisposing syndrome. Last evaluated: 2023-07-28. Review status: criteria provided, single submitter. Criteria: Ambry Variant Classification Scheme 2023. Collection method: clinical testing. Allele origin: germline.
Comment: The p.S1764P variant (also known as c.5290T>C), located in coding exon 10 of the BRCA2 gene, results from a T to C substitution at nucleotide position 5290. The serine at codon 1764 is replaced by proline, an amino acid with similar properties. This amino acid position is conserved. In addition, this alteration is predicted to be tolerated by in silico analysis. Since supporting evidence is limited at this time, the clinical significance of this alteration remains unclear.